The following is an entry in ClinVar:

ClinVar aggregate classification (germline): Uncertain significance. Review status: criteria provided, multiple submitters, no conflicts (2 of 4 stars). 2 submissions from 2 submitters: Uncertain significance (2). Last evaluated 2025-03-31.

Conditions:
X-linked severe combined immunodeficiency (SCIDX1). Also called: IMMUNODEFICIENCY 4; SCID, X-LINKED; SEVERE COMBINED IMMUNODEFICIENCY, X-LINKED, T CELL-NEGATIVE, B CELL-POSITIVE, NK CELL-NEGATIVE; T-B+ severe combined immunodeficiency due to gamma chain deficiency; X-Linked Combined Immunodeficiency Diseases. Identifiers: Orphanet 276, MedGen C6022468, MONDO:0010315, OMIM 300400. Disease mechanism: loss of function.
Inborn genetic diseases. Identifiers: MedGen C0950123, MeSH D030342.

Allele frequency attached by ClinVar (database versions not stated): gnomAD exomes below 0.00001; TOPMed 0.00005; gnomAD 0.00007.
gnomAD v4.1: 14 of 1,189,813 alleles (0.0012%); highest among the groups gnomAD compares: African/African-American, 0.023%; no homozygotes.

Submissions (2):

Ambry Genetics
Classification: Uncertain significance for Inborn genetic diseases. Last evaluated: 2025-03-31. Review status: criteria provided, single submitter. Criteria: Ambry Variant Classification Scheme 2023. Collection method: clinical testing. Allele origin: germline.

Labcorp Genetics (formerly Invitae), Labcorp
Classification: Uncertain significance for X-linked severe combined immunodeficiency. Last evaluated: 2021-08-30. Review status: criteria provided, single submitter. Criteria: Invitae Variant Classification Sherloc (09022015). Collection method: clinical testing. Allele origin: germline.
Comment: This sequence change replaces tyrosine with cysteine at codon 280 of the IL2RG protein (p.Tyr280Cys). The tyrosine residue is moderately conserved and there is a large physicochemical difference between tyrosine and cysteine. This variant is not present in population databases (ExAC no frequency). This variant has not been reported in the literature in individuals affected with IL2RG-related conditions. Algorithms developed to predict the effect of missense changes on protein structure and function are either unavailable or do not agree on the potential impact of this missense change (SIFT: "Tolerated"; PolyPhen-2: "Probably Damaging"; Align-GVGD: "Class C25"). In summary, the available evidence is currently insufficient to determine the role of this variant in disease. Therefore, it has been classified as a Variant of Uncertain Significance.

NM_000206.3(IL2RG):c.839A>G (p.Tyr280Cys)

Gene: IL2RG (interleukin 2 receptor subunit gamma; minus strand). Cytogenetic location: Xq13.1.
Variant type: single nucleotide variant.
Coding change: c.839A>G on transcript NM_000206.3 (MANE Select); coding-DNA position 839, A replaced by G.
Protein change: p.Tyr280Cys; replaces tyrosine 280 with cysteine.
Molecular consequence: missense variant.
Genome position (GRCh38, 1-based): chrX:71,108,614, T>C on the plus strand (A>G on the coding strand, the complement: IL2RG is on the minus strand). VCF-style: chrX-71108614-T-C. GRCh37 (hg19) VCF-style: chrX-70328464-T-C.
Other names: short protein forms Y280C.
Identifiers: ClinVar variation 2059163 (VCV002059163.2), dbSNP rs1374953701, ClinGen allele CA413628546.